The following is an entry in ClinVar:

NM_177438.3(DICER1):c.2041-3C>T

Gene: DICER1 (dicer 1, ribonuclease III; minus strand). Cytogenetic location: 14q32.13.
Variant type: single nucleotide variant.
Coding change: c.2041-3C>T on transcript NM_177438.3 (MANE Select); 3 bases into the intron before coding-DNA position 2041, C replaced by T.
Molecular consequence: intron variant.
Genome position (GRCh38, 1-based): chr14:95,112,250, G>A on the plus strand (C>T on the coding strand, the complement: DICER1 is on the minus strand). VCF-style: chr14-95112250-G-A. GRCh37 (hg19) VCF-style: chr14-95578587-G-A.
Other names: c.2041-3C>T (NM_177438.2, NM_001291628.2, NM_030621.4 and 13 more transcripts); c.1636-3C>T (NM_001395690.1, NM_001395687.1, NM_001395689.1 and 3 more transcripts); c.1759-3C>T (NM_001395686.1); c.1474-3C>T (NM_001395691.1); c.358-3C>T (NM_001395697.1).
Identifiers: ClinVar variation 2092117 (VCV002092117.5), dbSNP rs2542932632, ClinGen allele CA2522577102.

ClinVar aggregate classification (germline): Uncertain significance. Review status: criteria provided, multiple submitters, no conflicts (2 of 4 stars). 2 submissions from 2 submitters: Uncertain significance (2). Last evaluated 2024-07-12.

Conditions:
DICER1-related tumor predisposition. Also called: DICER1-related pleuropulmonary blastoma cancer predisposition syndrome; DICER1 syndrome. Identifiers: Orphanet 284343, MedGen C3839822, MONDO:0100216.
Hereditary cancer-predisposing syndrome. Also called: Tumor predisposition; Neoplastic Syndromes, Hereditary; Hereditary neoplastic syndrome; Hereditary Cancer Syndrome. Identifiers: Orphanet 140162, MedGen C0027672, MeSH D009386, MONDO:0015356.

Submissions (2):

Ambry Genetics
Classification: Uncertain significance for Hereditary cancer-predisposing syndrome. Last evaluated: 2024-07-12. Review status: criteria provided, single submitter. Criteria: Ambry Variant Classification Scheme 2023. Collection method: clinical testing. Allele origin: germline.
Comment: The c.2041-3C>T intronic variant results from a C to T substitution 3 nucleotides upstream from coding exon 12 in the DICER1 gene. This nucleotide position is not well conserved in available vertebrate species. In silico splice site analysis predicts that this alteration will not have any significant effect on splicing. Based on the available evidence, the clinical significance of this variant remains unclear.

Labcorp Genetics (formerly Invitae), Labcorp
Classification: Uncertain significance for DICER1-related tumor predisposition. Last evaluated: 2022-11-03. Review status: criteria provided, single submitter. Criteria: Invitae Variant Classification Sherloc (09022015). Collection method: clinical testing. Allele origin: germline.
Comment: This variant is not present in population databases (gnomAD no frequency). In summary, the available evidence is currently insufficient to determine the role of this variant in disease. Therefore, it has been classified as a Variant of Uncertain Significance. Variants that disrupt the consensus splice site are a relatively common cause of aberrant splicing (PMID: 17576681, 9536098). Algorithms developed to predict the effect of sequence changes on RNA splicing suggest that this variant is not likely to affect RNA splicing. This variant has not been reported in the literature in individuals affected with DICER1-related conditions. This sequence change falls in intron 12 of the DICER1 gene. It does not directly change the encoded amino acid sequence of the DICER1 protein. It affects a nucleotide within the consensus splice site.

Literature cited by the submitters: PubMed 17576681 (cited by Labcorp Genetics (formerly Invitae), Labcorp); PubMed 9536098 (cited by Labcorp Genetics (formerly Invitae), Labcorp).